The following is an entry in ClinVar:

ClinVar aggregate classification (germline): Uncertain significance (1 of 4 stars; one submission).

gnomAD v4.1: 3 of 1,606,548 alleles (0.00019%); highest among the groups gnomAD compares: Non-Finnish European, 0.00026%; no homozygotes.

Submission:

Labcorp Genetics (formerly Invitae), Labcorp
Classification: Uncertain significance. Last evaluated: 2020-12-04. Review status: criteria provided, single submitter. Criteria: Invitae Variant Classification Sherloc (09022015). Collection method: clinical testing. Allele origin: germline.
Comment: This sequence change replaces leucine with isoleucine at codon 582 of the IKBKAP protein (p.Leu582Ile). The leucine residue is moderately conserved and there is a small physicochemical difference between leucine and isoleucine. This variant is not present in population databases (ExAC no frequency). This variant has not been reported in the literature in individuals with IKBKAP-related disease. Algorithms developed to predict the effect of missense changes on protein structure and function (SIFT, PolyPhen-2, Align-GVGD) all suggest that this variant is likely to be tolerated, but these predictions have not been confirmed by published functional studies and their clinical significance is uncertain. In summary, the available evidence is currently insufficient to determine the role of this variant in disease. Therefore, it has been classified as a Variant of Uncertain Significance.

NM_003640.5(ELP1):c.1744C>A (p.Leu582Ile)

Gene: ELP1 (elongator acetyltransferase complex subunit 1; minus strand). Cytogenetic location: 9q31.3.
Variant type: single nucleotide variant.
Coding change: c.1744C>A on transcript NM_003640.5 (MANE Select); coding-DNA position 1744, C replaced by A.
Protein change: p.Leu582Ile; replaces leucine 582 with isoleucine.
Molecular consequence: missense variant.
Genome position (GRCh38, 1-based): chr9:108,903,569, G>T on the plus strand (C>A on the coding strand, the complement: ELP1 is on the minus strand). VCF-style: chr9-108903569-G-T. GRCh37 (hg19) VCF-style: chr9-111665849-G-T.
Other names: c.1402C>A, p.Leu468Ile (NM_001318360.2); c.697C>A, p.Leu233Ile (NM_001330749.2); short protein forms L233I, L468I, L582I.
Identifiers: ClinVar variation 2173128 (VCV002173128.1), dbSNP rs1249155076, ClinGen allele CA374425912.